The following is an entry in ClinVar:

NM_138295.5(PKD1L1):c.5237+4A>C

Gene: PKD1L1 (polycystin 1 like 1, transient receptor potential channel interacting; minus strand). Cytogenetic location: 7p12.3.
Variant type: single nucleotide variant.
Coding change: c.5237+4A>C on transcript NM_138295.5 (MANE Select); 4 bases into the intron after coding-DNA position 5237, A replaced by C.
Molecular consequence: intron variant.
Genome position (GRCh38, 1-based): chr7:47,844,991, T>G on the plus strand (A>C on the coding strand, the complement: PKD1L1 is on the minus strand). VCF-style: chr7-47844991-T-G. GRCh37 (hg19) VCF-style: chr7-47884589-T-G.
Identifiers: ClinVar variation 4979213 (VCV004979213.1).

ClinVar aggregate classification (germline): Likely benign (1 of 4 stars; one submission).

Conditions:
PKD1L1-related disorder. Also called: PKD1L1-related condition.

gnomAD v4.1: 32 of 1,611,148 alleles (0.002%); highest among the groups gnomAD compares: Non-Finnish European, 0.0027%; no homozygotes.

Submission:

PreventionGenetics, part of Exact Sciences
Classification: Likely benign for PKD1L1-related condition. Last evaluated: 2025-12-30. Review status: criteria provided, single submitter. Criteria: ACMG Guidelines, 2015. Collection method: clinical testing. Allele origin: germline.
Comment: This variant is classified as likely benign based on ACMG/AMP sequence variant interpretation guidelines (Richards et al. 2015 PMID: 25741868, with internal and published modifications).